The following is an entry in ClinVar:

NM_005677.4(COLQ):c.394-1G>A

Gene: COLQ (collagen like tail subunit of asymmetric acetylcholinesterase; minus strand). Cytogenetic location: 3p25.1.
Variant type: single nucleotide variant.
Coding change: c.394-1G>A on transcript NM_005677.4 (MANE Select); the canonical splice acceptor site of the intron before coding-DNA position 394, G replaced by A.
Molecular consequence: splice acceptor variant.
Genome position (GRCh38, 1-based): chr3:15,477,198, C>T on the plus strand (G>A on the coding strand, the complement: COLQ is on the minus strand). VCF-style: chr3-15477198-C-T. GRCh37 (hg19) VCF-style: chr3-15518705-C-T.
Other names: c.292-1G>A (NM_080539.4); c.364-1G>A (NM_080538.2).
Identifiers: ClinVar variation 3776181 (VCV003776181.1).

ClinVar aggregate classification (germline): Pathogenic (1 of 4 stars; one submission).

Conditions:
Congenital myasthenic syndrome 5. Identifiers: Orphanet 590, MedGen C1864233, MONDO:0011281, OMIM 603034.

gnomAD v4.1: 1 of 1,604,556 alleles (0.000062%); highest among the groups gnomAD compares: Non-Finnish European, 0.000085%; no homozygotes.

Submission:

3billion
Classification: Pathogenic for Congenital myasthenic syndrome 5. Last evaluated: 2024-02-14. Review status: criteria provided, single submitter. Criteria: ACMG Guidelines, 2015. Collection method: clinical testing. Allele origin: germline. Affected: yes.
Comment: The variant is not observed in the gnomAD v2.1.1 dataset. Predicted Consequence/Location: Canonical splice site: predicted to alter splicing and result in a loss or disruption of normal protein function. Multiple pathogenic loss-of-function variants are reported downstream of the variant. Therefore, this variant is classified as Pathogenic according to the recommendation of ACMG/AMP guideline.